The following is an entry in ClinVar:

NM_138713.4(NFAT5):c.3221A>G (p.Gln1074Arg)

Gene: NFAT5 (nuclear factor of activated T cells 5; plus strand). Cytogenetic location: 16q22.1.
Variant type: single nucleotide variant.
Coding change: c.3221A>G on transcript NM_138713.4 (MANE Select); coding-DNA position 3221, A replaced by G.
Protein change: p.Gln1074Arg; replaces glutamine 1074 with arginine.
Molecular consequence: missense variant.
Genome position (GRCh38, 1-based): chr16:69,693,046, A>G. VCF-style: chr16-69693046-A-G. GRCh37 (hg19) VCF-style: chr16-69726949-A-G.
Other names: c.3218A>G, p.Gln1073Arg (NM_001113178.3); c.2546A>G, p.Gln849Arg (NM_001367709.1); c.3167A>G, p.Gln1056Arg (NM_006599.4); c.2939A>G, p.Gln980Arg (NM_138714.4, NM_173214.3, NM_173215.3); short protein forms Q849R, Q980R, Q1056R, Q1074R, Q1073R.
Identifiers: ClinVar variation 3008574 (VCV003008574.3), dbSNP rs2037615413, ClinGen allele CA396512536.

ClinVar aggregate classification (germline): Uncertain significance (1 of 4 stars; one submission).

Conditions:
Immunodeficiency. Identifiers: MedGen C0021051, MONDO:0021094, HP:0002721.

Allele frequency attached by ClinVar (database versions not stated): gnomAD exomes below 0.00001; TOPMed below 0.00001.
gnomAD v4.1: 1 of 1,614,014 alleles (0.000062%); highest among the groups gnomAD compares: Admixed American, 0.0017%; no homozygotes.

Submission:

Labcorp Genetics (formerly Invitae), Labcorp
Classification: Uncertain significance for Immunodeficiency. Last evaluated: 2025-01-06. Review status: criteria provided, single submitter. Criteria: Invitae Variant Classification Sherloc (09022015). Collection method: clinical testing. Allele origin: germline.
Comment: This sequence change replaces glutamine, which is neutral and polar, with arginine, which is basic and polar, at codon 980 of the NFAT5 protein (p.Gln980Arg). This variant is not present in population databases (gnomAD no frequency). This variant has not been reported in the literature in individuals affected with NFAT5-related conditions. ClinVar contains an entry for this variant (Variation ID: 3008574). An algorithm developed to predict the effect of missense changes on protein structure and function (PolyPhen-2) suggests that this variant is likely to be disruptive. In summary, the available evidence is currently insufficient to determine the role of this variant in disease. Therefore, it has been classified as a Variant of Uncertain Significance.